The following is an entry in ClinVar:

ClinVar aggregate classification (germline): Uncertain significance (1 of 4 stars; one submission).

Conditions:
TRIM32-related disorder. Also called: TRIM32-related condition.

Submission:

PreventionGenetics, part of Exact Sciences
Classification: Uncertain significance for TRIM32-related condition. Last evaluated: 2026-02-03. Review status: criteria provided, single submitter. Criteria: ACMG Guidelines, 2015. Collection method: clinical testing. Allele origin: germline.
Comment: The TRIM32 c.1448T>A variant is predicted to result in the amino acid substitution p.Phe483Tyr. To our knowledge, this variant has not been reported in the literature or in a large population database (gnomAD), indicating this variant is rare. At this time, the clinical significance of this variant is uncertain due to the absence of conclusive functional and genetic evidence.

NM_012210.4(TRIM32):c.1448T>A (p.Phe483Tyr)

Genes: ASTN2 (astrotactin 2; minus strand), TRIM32 (tripartite motif containing 32; plus strand). Cytogenetic location: 9q33.1.
Variant type: single nucleotide variant.
Coding change: c.1448T>A on transcript NM_012210.4 (MANE Select); coding-DNA position 1448, T replaced by A.
Protein change: p.Phe483Tyr; replaces phenylalanine 483 with tyrosine.
Molecular consequence: missense variant. On other transcripts: intron variant (3).
Genome position (GRCh38, 1-based): chr9:116,699,190, T>A. VCF-style: chr9-116699190-T-A. GRCh37 (hg19) VCF-style: chr9-119461469-T-A.
Other names: c.1448T>A, p.Phe483Tyr (NM_001099679.2, NM_001379048.1, NM_001379049.1 and 1 more transcripts); c.2653+26581A>T (NM_014010.5); c.2794+26581A>T (NM_001365069.1); c.2806+26581A>T (NM_001365068.1); short protein forms F483Y.
Identifiers: ClinVar variation 4992368 (VCV004992368.1).